The following is an entry in ClinVar:

ClinVar aggregate classification (germline): Likely benign (1 of 4 stars; one submission).

Allele frequency attached by ClinVar (database versions not stated): gnomAD 0.00001; TOPMed 0.00002; gnomAD exomes 0.00004.
gnomAD v4.1: 51 of 1,251,540 alleles (0.0041%); highest among the groups gnomAD compares: Non-Finnish European, 0.0047%; no homozygotes.

Submission:

GeneDx
Classification: Likely benign. Last evaluated: 2015-10-26. Review status: criteria provided, single submitter. Criteria: GeneDx Variant Classification (06012015). Collection method: clinical testing. Allele origin: germline. Affected: yes.
Comment: This variant is considered likely benign or benign based on one or more of the following criteria: it is a conservative change, it occurs at a poorly conserved position in the protein, it is predicted to be benign by multiple in silico algorithms, and/or has population frequency not consistent with disease.

NM_001943.5(DSG2):c.-22G>A

Genes: DSG2 (desmoglein 2; plus strand), LOC130062340 (ATAC-STARR-seq lymphoblastoid silent region 9384; plus strand). Cytogenetic location: 18q12.1.
Variant type: single nucleotide variant.
Coding change: c.-22G>A on transcript NM_001943.5 (MANE Select); 22 bases upstream of the start codon, G replaced by A.
Molecular consequence: 5 prime UTR variant.
Genome position (GRCh38, 1-based): chr18:31,498,230, G>A. VCF-style: chr18-31498230-G-A. GRCh37 (hg19) VCF-style: chr18-29078193-G-A.
Other names: c.-22G>A (LRG_397t1).
Identifiers: ClinVar variation 380755 (VCV000380755.1), dbSNP rs955882030, ClinGen allele CA16607951.
Genomic context (GRCh38, chr18:31,498,230, plus strand): 5'-GGCCAGGGAGGAGCCGAGTGCGCGCTCGGGGCAGGCGGCGGCGCGGAGCGGTGCGGCGGC[G>A]GGAGGCGGAGGCGAGGGTGCGATGGCGCGGAGCCCGGGACGCGCGTACGCCCTGCTGCTT-3'